The following is an entry in ClinVar:

NM_194454.3(KRIT1):c.500G>A (p.Arg167His)

Gene: KRIT1 (KRIT1 ankyrin repeat containing; minus strand). Cytogenetic location: 7q21.2.
Variant type: single nucleotide variant.
Coding change: c.500G>A on transcript NM_194454.3 (MANE Select); coding-DNA position 500, G replaced by A.
Protein change: p.Arg167His; replaces arginine 167 with histidine.
Molecular consequence: missense variant. On other transcripts: 5 prime UTR variant (1).
Genome position (GRCh38, 1-based): chr7:92,235,632, C>T on the plus strand (G>A on the coding strand, the complement: KRIT1 is on the minus strand). VCF-style: chr7-92235632-C-T. GRCh37 (hg19) VCF-style: chr7-91864946-C-T.
Other names: c.500G>A, p.Arg167His (NM_001013406.2, NM_001350669.1, NM_001350670.1 and 29 more transcripts); c.-84G>A (NM_001350671.1); short protein forms R167H.
Identifiers: ClinVar variation 468217 (VCV000468217.7), dbSNP rs374246090, ClinGen allele CA161911064.

ClinVar aggregate classification (germline): Uncertain significance. Review status: criteria provided, multiple submitters, no conflicts (2 of 4 stars). 2 submissions from 2 submitters: Uncertain significance (2). Last evaluated 2025-03-01.

Conditions:
Inborn genetic diseases. Identifiers: MedGen C0950123, MeSH D030342.
Cerebral cavernous malformation (CCM). Also called: CAVERNOUS ANGIOMA, FAMILIAL; CAVERNOUS ANGIOMATOUS MALFORMATIONS; CEREBRAL CAPILLARY MALFORMATIONS; Cerebral cavernous malformations; Cavernous Hemangioma of Brain; Cerebral cavernous hemangioma (type). Identifiers: Orphanet 221061, MedGen C2919945, MONDO:0000820, OMIM 116860, HP:0033522.

Allele frequency attached by ClinVar (database versions not stated): gnomAD 0.00001; gnomAD exomes 0.00001; TOPMed 0.00001.
gnomAD v4.1: 19 of 1,613,480 alleles (0.0012%); highest among the groups gnomAD compares: Middle Eastern, 0.099%; no homozygotes.

Submissions (2):

Ambry Genetics
Classification: Uncertain significance for Inborn genetic diseases. Last evaluated: 2025-03-01. Review status: criteria provided, single submitter. Criteria: Ambry Variant Classification Scheme 2023. Collection method: clinical testing. Allele origin: germline.

Labcorp Genetics (formerly Invitae), Labcorp
Classification: Uncertain significance for Cerebral cavernous malformation. Last evaluated: 2021-08-28. Review status: criteria provided, single submitter. Criteria: Invitae Variant Classification Sherloc (09022015). Collection method: clinical testing. Allele origin: germline.
Comment: This sequence change replaces arginine with histidine at codon 167 of the KRIT1 protein (p.Arg167His). The arginine residue is moderately conserved and there is a small physicochemical difference between arginine and histidine. This variant is not present in population databases (ExAC no frequency). This variant has not been reported in the literature in individuals affected with KRIT1-related conditions. Algorithms developed to predict the effect of missense changes on protein structure and function are either unavailable or do not agree on the potential impact of this missense change (SIFT: "Deleterious"; PolyPhen-2: "Benign"; Align-GVGD: "Class C0"). In summary, the available evidence is currently insufficient to determine the role of this variant in disease. Therefore, it has been classified as a Variant of Uncertain Significance.